The following is an entry in ClinVar:

ClinVar aggregate classification (germline): Uncertain significance (1 of 4 stars; one submission).

Conditions:
Hypertrophic cardiomyopathy. Also called: HYPERTROPHIC MYOCARDIOPATHY. Identifiers: Orphanet 217569, MedGen C0007194, MeSH D002312, MONDO:0005045, HP:0001639.

Submission:

Labcorp Genetics (formerly Invitae), Labcorp
Classification: Uncertain significance for Hypertrophic cardiomyopathy. Last evaluated: 2022-12-16. Review status: criteria provided, single submitter. Criteria: Invitae Variant Classification Sherloc (09022015). Collection method: clinical testing. Allele origin: germline.
Comment: This sequence change creates a premature translational stop signal (p.Glu901*) in the MYOM1 gene. It is expected to result in an absent or disrupted protein product. However, the current clinical and genetic evidence is not sufficient to establish whether loss-of-function variants in MYOM1 cause disease. Information on the frequency of this variant in the gnomAD database is not available, as this variant may be reported differently in the database. This variant has not been reported in the literature in individuals affected with MYOM1-related conditions. In summary, the available evidence is currently insufficient to determine the role of this variant in disease. Therefore, it has been classified as a Variant of Uncertain Significance.

NM_003803.4(MYOM1):c.2701_2702delinsTG (p.Glu901Ter)

Gene: MYOM1 (myomesin 1; minus strand). Cytogenetic location: 18p11.31.
Variant type: Indel.
Coding change: c.2701_2702delinsTG on transcript NM_003803.4 (MANE Select); coding-DNA positions 2701 to 2702, GA replaced by TG.
Protein change: p.Glu901Ter; replaces glutamic acid 901 with a stop codon.
Molecular consequence: nonsense. On other transcripts: intron variant (1).
Genome position (GRCh38, 1-based): chr18:3,129,324-3,129,325, TC replaced by CA on the plus strand (GA replaced by TG on the coding strand, the reverse complement: MYOM1 is on the minus strand). VCF-style: chr18-3129324-TC-CA. GRCh37 (hg19) VCF-style: chr18-3129322-TC-CA.
Other names: c.2506+2050_2506+2051delinsTG (NM_019856.2); short protein forms E901*.
Identifiers: ClinVar variation 2821491 (VCV002821491.3), dbSNP rs2510621683, ClinGen allele CA2739268554.